The following is an entry in ClinVar:

ClinVar aggregate classification (germline): Uncertain significance (1 of 4 stars; one submission).

Conditions:
Hereditary cancer-predisposing syndrome. Also called: Tumor predisposition; Neoplastic Syndromes, Hereditary; Hereditary Cancer Syndrome; Hereditary neoplastic syndrome. Identifiers: Orphanet 140162, MedGen C0027672, MeSH D009386, MONDO:0015356.

Submission:

Ambry Genetics
Classification: Uncertain significance for Hereditary cancer-predisposing syndrome. Last evaluated: 2026-02-06. Review status: criteria provided, single submitter. Criteria: Ambry Variant Classification Scheme 2023. Collection method: clinical testing. Allele origin: germline.
Comment: The c.6096-3T>A intronic variant results from a T to A substitution 3 nucleotides upstream from coding exon 41 in the ATM gene. This nucleotide position is poorly conserved in available vertebrate species. In silico splice site analysis for this alteration is inconclusive. Based on the available evidence, the clinical significance of this variant remains unclear.

NM_000051.4(ATM):c.6096-3T>A

Genes: ATM (ATM serine/threonine kinase; plus strand), C11orf65 (chromosome 11 open reading frame 65; minus strand). Cytogenetic location: 11q22.3.
Variant type: single nucleotide variant.
Coding change: c.6096-3T>A on transcript NM_000051.4 (MANE Select); 3 bases into the intron before coding-DNA position 6096, T replaced by A.
Molecular consequence: intron variant.
Genome position (GRCh38, 1-based): chr11:108,316,008, T>A. VCF-style: chr11-108316008-T-A. GRCh37 (hg19) VCF-style: chr11-108186735-T-A.
Other names: c.6096-3T>A (NM_001351834.2); c.641-6937A>T (NM_001330368.2); c.*39-6937A>T (NM_001351110.2).
Identifiers: ClinVar variation 826181 (VCV000826181.7), dbSNP rs748380897, ClinGen allele CA915947649.